The following is an entry in ClinVar:

NM_005591.4(MRE11):c.1015A>T (p.Lys339Ter)

Gene: MRE11 (MRE11 double strand break repair nuclease; minus strand). Cytogenetic location: 11q21.
Variant type: single nucleotide variant.
Coding change: c.1015A>T on transcript NM_005591.4 (MANE Select); coding-DNA position 1015, A replaced by T.
Protein change: p.Lys339Ter; replaces lysine 339 with a stop codon.
Molecular consequence: nonsense.
Genome position (GRCh38, 1-based): chr11:94,470,473, T>A on the plus strand (A>T on the coding strand, the complement: MRE11 is on the minus strand). VCF-style: chr11-94470473-T-A. GRCh37 (hg19) VCF-style: chr11-94203639-T-A.
Other names: c.1015A>T, p.Lys339Ter (NM_001330347.2, NM_005590.4); short protein forms K339*.
Identifiers: ClinVar variation 447736 (VCV000447736.16), dbSNP rs984874083, ClinGen allele CA226531412.

ClinVar aggregate classification (germline): Pathogenic/Likely pathogenic. Review status: criteria provided, multiple submitters, no conflicts (2 of 4 stars). 6 submissions from 6 submitters: Pathogenic (3); Likely pathogenic (3). Last evaluated 2024-09-25.

Conditions:
Ataxia-telangiectasia-like disorder (ATLD). Identifiers: MedGen C1858391, MONDO:0011457.
Hereditary cancer-predisposing syndrome. Also called: Neoplastic Syndromes, Hereditary; Hereditary neoplastic syndrome; Hereditary Cancer Syndrome; Tumor predisposition. Identifiers: Orphanet 140162, MedGen C0027672, MeSH D009386, MONDO:0015356.
Ataxia-telangiectasia-like disorder 1 (ATLD1). Identifiers: Orphanet 251347, MedGen C4012790, MONDO:0024557, OMIM 604391.

Allele frequency attached by ClinVar (database versions not stated): gnomAD exomes below 0.00001; TOPMed 0.00003; gnomAD 0.00004.
gnomAD v4.1: 7 of 1,612,490 alleles (0.00043%); highest among the groups gnomAD compares: African/African-American, 0.0094%; no homozygotes.

Submissions (6):

GeneDx
Classification: Likely pathogenic. Last evaluated: 2024-09-25. Review status: criteria provided, single submitter. Criteria: GeneDx Variant Classification Process June 2021. Collection method: clinical testing. Allele origin: germline. Affected: yes.
Comment: Nonsense variant predicted to result in protein truncation or nonsense mediated decay in a gene for which loss of function is a known mechanism of disease; Not observed at significant frequency in large population cohorts (gnomAD); This variant is associated with the following publications: (PMID: 32832836, 32427313, 29922827)

Labcorp Genetics (formerly Invitae), Labcorp
Classification: Pathogenic for Ataxia-telangiectasia-like disorder. Last evaluated: 2024-09-11. Review status: criteria provided, single submitter. Criteria: Invitae Variant Classification Sherloc (09022015). Collection method: clinical testing. Allele origin: germline.
Comment: This sequence change creates a premature translational stop signal (p.Lys339*) in the MRE11 gene. It is expected to result in an absent or disrupted protein product. Loss-of-function variants in MRE11 are known to be pathogenic (PMID: 23080121, 23912341). This variant is present in population databases (no rsID available, gnomAD 0.01%). This premature translational stop signal has been observed in individual(s) with breast cancer or prostate cancer (PMID: 32427313, 32832836). ClinVar contains an entry for this variant (Variation ID: 447736). Algorithms developed to predict the effect of sequence changes on RNA splicing suggest that this variant may disrupt the consensus splice site. For these reasons, this variant has been classified as Pathogenic.

Ambry Genetics
Classification: Pathogenic for Hereditary cancer-predisposing syndrome. Last evaluated: 2024-05-24. Review status: criteria provided, single submitter. Criteria: Ambry Variant Classification Scheme 2023. Collection method: clinical testing. Allele origin: germline.
Comment: The p.K339* pathogenic mutation (also known as c.1015A>T), located in coding exon 8 of the MRE11A gene, results from an A to T substitution at nucleotide position 1015. This changes the amino acid from a lysine to a stop codon within coding exon 8. This alteration is expected to result in loss of function by premature protein truncation or nonsense-mediated mRNA decay. As such, this alteration is interpreted as a disease-causing mutation.

Baylor Genetics
Classification: Likely pathogenic for Ataxia-telangiectasia-like disorder 1. Last evaluated: 2023-09-26. Review status: criteria provided, single submitter. Criteria: ACMG Guidelines, 2015. Collection method: clinical testing. Allele origin: unknown.

Revvity Omics, Revvity
Classification: Pathogenic for Ataxia-telangiectasia-like disorder 1. Last evaluated: 2019-02-05. Review status: criteria provided, single submitter. Criteria: ACMG Guidelines, 2015. Collection method: clinical testing. Allele origin: germline.

Athena Diagnostics
Classification: Likely pathogenic. Last evaluated: 2016-12-30. Review status: criteria provided, single submitter. Criteria: Athena Diagnostics Criteria. Collection method: clinical testing. Allele origin: germline.

Literature cited by the submitters: PubMed 23080121 (cited by Labcorp Genetics (formerly Invitae), Labcorp); PubMed 23912341 (cited by Labcorp Genetics (formerly Invitae), Labcorp); PubMed 32427313 (cited by Labcorp Genetics (formerly Invitae), Labcorp); PubMed 32832836 (cited by Labcorp Genetics (formerly Invitae), Labcorp).